The following is an entry in ClinVar:

NM_178556.5(TRIML1):c.1188A>T (p.Lys396Asn)

Gene: TRIML1 (tripartite motif family like 1; plus strand). Cytogenetic location: 4q35.2.
Variant type: single nucleotide variant.
Coding change: c.1188A>T on transcript NM_178556.5 (MANE Select); coding-DNA position 1188, A replaced by T.
Protein change: p.Lys396Asn; replaces lysine 396 with asparagine.
Molecular consequence: missense variant.
Genome position (GRCh38, 1-based): chr4:188,147,153, A>T. VCF-style: chr4-188147153-A-T. GRCh37 (hg19) VCF-style: chr4-189068307-A-T.
Other names: short protein forms K396N.
Identifiers: ClinVar variation 161839 (VCV000161839.2), dbSNP rs193920871, ClinGen allele CA174884.

ClinVar aggregate classification (germline): Uncertain significance (0 of 4 stars; one submission).

Conditions:
Prostate cancer. Also called: Malignant tumor of prostate. Identifiers: Orphanet 1331, MedGen C0376358, MONDO:0008315, HP:0012125.

Submission:

Science for Life laboratory,  Karolinska Institutet
Classification: Uncertain significance for Malignant tumor of prostate. Review status: no assertion criteria provided. Collection method: not provided. Allele origin: somatic.
Comment: TumorID:SWE-16
ClinVar note: Converted during submission from Unknown to Uncertain significance.